The following is an entry in ClinVar:

NM_017813.5(BPNT2):c.*2149G>T

Gene: BPNT2 (3'(2'), 5'-bisphosphate nucleotidase 2; minus strand). Cytogenetic location: 8q12.1.
Variant type: single nucleotide variant.
Coding change: c.*2149G>T on transcript NM_017813.5 (MANE Select); 2149 bases downstream of the stop codon, G replaced by T.
Molecular consequence: 3 prime UTR variant.
Genome position (GRCh38, 1-based): chr8:56,961,644, C>A on the plus strand (G>T on the coding strand, the complement: BPNT2 is on the minus strand). VCF-style: chr8-56961644-C-A. GRCh37 (hg19) VCF-style: chr8-57874203-C-A.
Identifiers: ClinVar variation 363371 (VCV000363371.5), dbSNP rs187763974, ClinGen allele CA10631318.

ClinVar aggregate classification (germline): Likely benign (1 of 4 stars; one submission).

Conditions:
Chondrodysplasia with joint dislocations, gPAPP type. Also called: GPAPP DEFICIENCY. Identifiers: Orphanet 280586, MedGen C3279757, MONDO:0013561, OMIM 614078.

Allele frequency attached by ClinVar (database versions not stated): gnomAD 0.00221 and 0.00228; TOPMed 0.00231; 1000 Genomes Project 30x 0.00297; 1000 Genomes Project 0.00300.

Submission:

Illumina Laboratory Services, Illumina
Classification: Likely benign for Chondrodysplasia with joint dislocations, gPAPP type. Last evaluated: 2018-01-13. Review status: criteria provided, single submitter. Criteria: ICSL Variant Classification Criteria 13 December 2019. Collection method: clinical testing. Allele origin: germline.
Comment: This variant was observed in the ICSL laboratory as part of a predisposition screen in an ostensibly healthy population. It had not been previously curated by ICSL or reported in the Human Gene Mutation Database (HGMD: prior to June 1st, 2018), and was therefore a candidate for classification through an automated scoring system. Utilizing variant allele frequency, disease prevalence and penetrance estimates, and inheritance mode, an automated score was calculated to assess if this variant is too frequent to cause the disease. Based on the score and internal cut-off values, a variant classified as likely benign is not then subjected to further curation. The score for this variant resulted in a classification of likely benign for this disease.